The following is an entry in ClinVar:

ClinVar aggregate classification (germline): Benign/Likely benign. Review status: criteria provided, multiple submitters, no conflicts (2 of 4 stars). 6 submissions from 6 submitters: Benign (1); Likely benign (4). 1 of the submissions does not count toward it. Last evaluated 2026-07-01.

Conditions:
DCTN1-related disorder. Also called: DCTN1-related condition.
Inborn genetic diseases. Identifiers: MedGen C0950123, MeSH D030342.
Perry syndrome. Also called: PARKINSONISM WITH ALVEOLAR HYPOVENTILATION AND MENTAL DEPRESSION. Identifiers: Orphanet 178509, MedGen C1868594, MONDO:0008201, OMIM 168605.
Neuronopathy, distal hereditary motor, type 7B. Also called: HMN VIIB; LOWER MOTOR NEURON DISEASE, DYNACTIN TYPE; NEURONOPATHY, DISTAL HEREDITARY MOTOR, AUTOSOMAL DOMINANT 14; NEURONOPATHY, DISTAL HEREDITARY MOTOR, HARDING TYPE VIIB; NEUROPATHY, DISTAL HEREDITARY MOTOR, HARDING TYPE VIIB; NEUROPATHY, DISTAL HEREDITARY MOTOR, WITH VOCAL CORD PARALYSIS, HARDING TYPE VIIB. Identifiers: Orphanet 139589, MedGen C1843315, MONDO:0011879, OMIM 607641.
Amyotrophic lateral sclerosis type 1 (ALS1). Also called: AMYOTROPHIC LATERAL SCLEROSIS 1, FAMILIAL. Identifiers: Orphanet 803, MedGen C1862939, MONDO:0007103, OMIM 105400.

Allele frequency attached by ClinVar (database versions not stated): ExAC 0.00010; TOPMed 0.00010; gnomAD 0.00012; gnomAD exomes 0.00013 and 0.00026; 1000 Genomes Project 30x 0.00016; 1000 Genomes Project 0.00020.
gnomAD v4.1: 400 of 1,613,770 alleles (0.025%); highest among the groups gnomAD compares: Non-Finnish European, 0.032%; 1 homozygote.

Submissions (6):

CeGaT Center for Human Genetics Tuebingen
Classification: Likely benign. Last evaluated: 2026-07-01. Review status: criteria provided, single submitter. Criteria: CeGaT Center For Human Genetics Tuebingen Variant Classification Criteria Version 2. Collection method: clinical testing. Allele origin: germline. Affected: yes. Observed: 4 variant alleles.
Comment: DCTN1: BP4, BP7

Labcorp Genetics (formerly Invitae), Labcorp
Classification: Likely benign for Amyotrophic lateral sclerosis type 1; Neuronopathy, distal hereditary motor, type 7B; Perry syndrome. Last evaluated: 2026-01-22. Review status: criteria provided, single submitter. Criteria: Invitae Variant Classification Sherloc (09022015). Collection method: clinical testing. Allele origin: germline.

Blueprint Genetics
Classification: Likely benign. Last evaluated: 2024-05-15. Review status: criteria provided, single submitter. Criteria: ACMG Guidelines, 2015. Collection method: clinical testing. Allele origin: germline.

Athena Diagnostics
Classification: Benign. Last evaluated: 2021-04-23. Review status: criteria provided, single submitter. Criteria: Athena Diagnostics criteria. Collection method: clinical testing. Allele origin: unknown.

Ambry Genetics
Classification: Likely benign for Inborn genetic diseases. Last evaluated: 2019-07-11. Review status: criteria provided, single submitter. Criteria: Ambry Variant Classification Scheme 2023. Collection method: clinical testing. Allele origin: germline.

PreventionGenetics, part of Exact Sciences
Classification: Likely benign for DCTN1-related condition. Last evaluated: 2022-12-16. Review status: no assertion criteria provided. Collection method: clinical testing. Allele origin: germline. Not counted in ClinVar's aggregate classification.
Comment: This variant is classified as likely benign based on ACMG/AMP sequence variant interpretation guidelines (Richards et al. 2015 PMID: 25741868, with internal and published modifications).

NM_004082.5(DCTN1):c.3501C>T (p.His1167=)

Gene: DCTN1 (dynactin subunit 1; minus strand). Cytogenetic location: 2p13.1.
Variant type: single nucleotide variant.
Coding change: c.3501C>T on transcript NM_004082.5 (MANE Select); coding-DNA position 3501, C replaced by T.
Protein change: p.His1167=; no amino-acid change (histidine 1167 retained).
Molecular consequence: synonymous variant. On other transcripts: non-coding transcript variant (1).
Genome position (GRCh38, 1-based): chr2:74,363,022, G>A on the plus strand (C>T on the coding strand, the complement: DCTN1 is on the minus strand). VCF-style: chr2-74363022-G-A. GRCh37 (hg19) VCF-style: chr2-74590149-G-A.
Other names: c.3426C>T, p.His1142= (NM_001135040.3); c.3084C>T, p.His1028= (NM_001135041.3); c.3375C>T, p.His1125= (NM_001190836.2); c.3480C>T, p.His1160= (NM_001190837.2); c.3450C>T, p.His1150= (NM_001378991.1); c.3432C>T, p.His1144= (NM_001378992.1); c.3099C>T, p.His1033= (NM_023019.4).
Identifiers: ClinVar variation 468273 (VCV000468273.39), dbSNP rs569997015, ClinGen allele CA1721477.